The following is an entry in ClinVar:

NM_001079866.2(BCS1L):c.976A>G (p.Ile326Val)

Gene: BCS1L (BCS1 ubiquinol-cytochrome c reductase complex chaperone; plus strand). Cytogenetic location: 2q35.
Variant type: single nucleotide variant.
Coding change: c.976A>G on transcript NM_001079866.2 (MANE Select); coding-DNA position 976, A replaced by G.
Protein change: p.Ile326Val; replaces isoleucine 326 with valine.
Molecular consequence: missense variant. On other transcripts: non-coding transcript variant (1).
Genome position (GRCh38, 1-based): chr2:218,662,969, A>G. VCF-style: chr2-218662969-A-G. GRCh37 (hg19) VCF-style: chr2-219527692-A-G.
Other names: c.976A>G, p.Ile326Val (NM_001257342.2, NM_001257343.2, NM_001257344.2 and 10 more transcripts); c.616A>G, p.Ile206Val (NM_001318836.2, NM_001371451.1); c.475A>G, p.Ile159Val (NM_001371452.1, NM_001371453.1, NM_001371454.1 and 3 more transcripts); short protein forms I326V, I159V, I206V.
Identifiers: ClinVar variation 4985987 (VCV004985987.1).
Genomic context (GRCh38, chr2:218,662,969, plus strand): 5'-CGCCTCACCTTCAGTGGACTGCTCAATGCCTTGGATGGTGTGGCTTCCACCGAGGCCCGC[A>G]TCGTGTTCATGACCACCAACCACGTTGACAGGTAGGAAGGAGCCAGGCATCCTGAGACTT-3'
Protein context (NP_001073335.1, residues 316-336): LDGVASTEAR[Ile326Val]VFMTTNHVDR

ClinVar aggregate classification (germline): Uncertain significance (1 of 4 stars; one submission).

Conditions:
BCS1L-related disorder. Also called: BCS1L-related condition; BCS1L-related disorders. Identifiers: MedGen CN239240.

gnomAD v4.1: 3 of 1,613,526 alleles (0.00019%); highest among the groups gnomAD compares: African/African-American, 0.0013%; no homozygotes.

Submission:

PreventionGenetics, part of Exact Sciences
Classification: Uncertain significance for BCS1L-related condition. Last evaluated: 2025-12-21. Review status: criteria provided, single submitter. Criteria: ACMG Guidelines, 2015. Collection method: clinical testing. Allele origin: germline.
Comment: The BCS1L c.976A>G variant is predicted to result in the amino acid substitution p.Ile326Val. To our knowledge, this variant has not been reported in the literature. This variant is reported in 0.0062% of alleles in individuals of African descent in gnomAD. At this time, the clinical significance of this variant is uncertain due to the absence of conclusive functional and genetic evidence.